The following is an entry in ClinVar:

NM_004836.7(EIF2AK3):c.977G>C (p.Gly326Ala)

Gene: EIF2AK3 (eukaryotic translation initiation factor 2 alpha kinase 3; minus strand). Cytogenetic location: 2p11.2.
Variant type: single nucleotide variant.
Coding change: c.977G>C on transcript NM_004836.7 (MANE Select); coding-DNA position 977, G replaced by C.
Protein change: p.Gly326Ala; replaces glycine 326 with alanine.
Molecular consequence: missense variant.
Genome position (GRCh38, 1-based): chr2:88,590,843, C>G on the plus strand (G>C on the coding strand, the complement: EIF2AK3 is on the minus strand). VCF-style: chr2-88590843-C-G. GRCh37 (hg19) VCF-style: chr2-88890361-C-G.
Other names: c.524G>C, p.Gly175Ala (NM_001313915.2); short protein forms G326A, G175A.
Identifiers: ClinVar variation 4618315 (VCV004618315.2).

ClinVar aggregate classification (germline): Uncertain significance. Review status: criteria provided, multiple submitters, no conflicts (2 of 4 stars). 2 submissions from 2 submitters: Uncertain significance (2). Last evaluated 2025-10-22.

Conditions:
Inborn genetic diseases. Identifiers: MedGen C0950123, MeSH D030342.

gnomAD v4.1: 5 of 1,614,098 alleles (0.00031%); highest among the groups gnomAD compares: South Asian, 0.0055%; no homozygotes.

Submissions (2):

Ambry Genetics
Classification: Uncertain significance for Inborn genetic diseases. Last evaluated: 2025-10-22. Review status: criteria provided, single submitter. Criteria: Ambry Variant Classification Scheme 2023. Collection method: clinical testing. Allele origin: germline.

Labcorp Genetics (formerly Invitae), Labcorp
Classification: Uncertain significance. Last evaluated: 2025-07-16. Review status: criteria provided, single submitter. Criteria: Invitae Variant Classification Sherloc (09022015). Collection method: clinical testing. Allele origin: germline.
Comment: This sequence change replaces glycine, which is neutral and non-polar, with alanine, which is neutral and non-polar, at codon 326 of the EIF2AK3 protein (p.Gly326Ala). This variant is present in population databases (rs753681109, gnomAD 0.01%). This variant has not been reported in the literature in individuals affected with EIF2AK3-related conditions. An algorithm developed to predict the effect of missense changes on protein structure and function (PolyPhen-2) suggests that this variant is likely to be tolerated. In summary, the available evidence is currently insufficient to determine the role of this variant in disease. Therefore, it has been classified as a Variant of Uncertain Significance.